The following is an entry in ClinVar:

NM_022124.6(CDH23):c.3418C>T (p.Arg1140Cys)

Genes: C10orf105 (chromosome 10 open reading frame 105; minus strand), CDH23 (cadherin related 23; plus strand). Cytogenetic location: 10q22.1.
Variant type: single nucleotide variant.
Coding change: c.3418C>T on transcript NM_022124.6 (MANE Select); coding-DNA position 3418, C replaced by T.
Protein change: p.Arg1140Cys; replaces arginine 1140 with cysteine.
Molecular consequence: missense variant. On other transcripts: intron variant (1).
Genome position (GRCh38, 1-based): chr10:71,724,093, C>T. VCF-style: chr10-71724093-C-T. GRCh37 (hg19) VCF-style: chr10-73483850-C-T.
Other names: c.3418C>T, p.Arg1140Cys (NM_001171930.2); c.-5-7751G>A (NM_001168390.2); short protein forms R1140C.
Identifiers: ClinVar variation 2085924 (VCV002085924.1), dbSNP rs1028372084, ClinGen allele CA209473426.
Genomic context (GRCh38, chr10:71,724,093, plus strand): 5'-ATTCTTCCTCAGCTGAAAGCCACGGACGCAGATGAGGGCGAGTTTGGGCGTGTGTGGTAC[C>T]GCATCCTCCATGGTAAGTGGGGCTGCCCTAGGATGGGGGGCGGTCCTCCTGCCCAGGGGA-3'
Protein context (NP_071407.4, residues 1130-1150): DEGEFGRVWY[Arg1140Cys]ILHGNHGNNF

ClinVar aggregate classification (germline): Uncertain significance (1 of 4 stars; one submission).

Allele frequency attached by ClinVar (database versions not stated): TOPMed 0.00001.
gnomAD v4.1: 8 of 1,558,658 alleles (0.00051%); highest among the groups gnomAD compares: South Asian, 0.0024%; no homozygotes.

Submission:

Labcorp Genetics (formerly Invitae), Labcorp
Classification: Uncertain significance. Last evaluated: 2022-06-13. Review status: criteria provided, single submitter. Criteria: Invitae Variant Classification Sherloc (09022015). Collection method: clinical testing. Allele origin: germline.
Comment: This sequence change replaces arginine, which is basic and polar, with cysteine, which is neutral and slightly polar, at codon 1140 of the CDH23 protein (p.Arg1140Cys). This variant is not present in population databases (gnomAD no frequency). This variant has not been reported in the literature in individuals affected with CDH23-related conditions. Algorithms developed to predict the effect of missense changes on protein structure and function are either unavailable or do not agree on the potential impact of this missense change (SIFT: "Deleterious"; PolyPhen-2: "Not Available"; Align-GVGD: "Class C0"). In summary, the available evidence is currently insufficient to determine the role of this variant in disease. Therefore, it has been classified as a Variant of Uncertain Significance.